The following is an entry in ClinVar:

ClinVar aggregate classification (germline): Uncertain significance (1 of 4 stars; one submission).

gnomAD v4.1: 2 of 1,613,384 alleles (0.00012%); highest among the groups gnomAD compares: Non-Finnish European, 0.00017%; no homozygotes.

Submission:

Labcorp Genetics (formerly Invitae), Labcorp
Classification: Uncertain significance. Last evaluated: 2022-12-25. Review status: criteria provided, single submitter. Criteria: Invitae Variant Classification Sherloc (09022015). Collection method: clinical testing. Allele origin: germline.
Comment: This sequence change replaces arginine, which is basic and polar, with leucine, which is neutral and non-polar, at codon 3992 of the HSPG2 protein (p.Arg3992Leu). The frequency data for this variant in the population databases is considered unreliable, as metrics indicate poor data quality at this position in the gnomAD database. This variant has not been reported in the literature in individuals affected with HSPG2-related conditions. Algorithms developed to predict the effect of missense changes on protein structure and function are either unavailable or do not agree on the potential impact of this missense change (SIFT: "Tolerated"; PolyPhen-2: "Probably Damaging"; Align-GVGD: "Class C0"). In summary, the available evidence is currently insufficient to determine the role of this variant in disease. Therefore, it has been classified as a Variant of Uncertain Significance.

NM_005529.7(HSPG2):c.11975G>T (p.Arg3992Leu)

Gene: HSPG2 (heparan sulfate proteoglycan 2; minus strand). Cytogenetic location: 1p36.12.
Variant type: single nucleotide variant.
Coding change: c.11975G>T on transcript NM_005529.7 (MANE Select); coding-DNA position 11975, G replaced by T.
Protein change: p.Arg3992Leu; replaces arginine 3992 with leucine.
Molecular consequence: missense variant.
Genome position (GRCh38, 1-based): chr1:21,829,400, C>A on the plus strand (G>T on the coding strand, the complement: HSPG2 is on the minus strand). VCF-style: chr1-21829400-C-A. GRCh37 (hg19) VCF-style: chr1-22155893-C-A.
Other names: c.11978G>T, p.Arg3993Leu (NM_001291860.2); short protein forms R3993L, R3992L.
Identifiers: ClinVar variation 2813515 (VCV002813515.3), dbSNP rs764827758, ClinGen allele CA338901645.